The following is an entry in ClinVar:

NM_001042492.3(NF1):c.7825G>A (p.Val2609Ile)

Gene: NF1 (neurofibromin 1; plus strand). Cytogenetic location: 17q11.2.
Variant type: single nucleotide variant.
Coding change: c.7825G>A on transcript NM_001042492.3 (MANE Select); coding-DNA position 7825, G replaced by A.
Protein change: p.Val2609Ile; replaces valine 2609 with isoleucine.
Molecular consequence: missense variant.
Genome position (GRCh38, 1-based): chr17:31,357,046, G>A. VCF-style: chr17-31357046-G-A. GRCh37 (hg19) VCF-style: chr17-29684064-G-A.
Other names: c.7762G>A, p.Val2588Ile (NM_000267.4); short protein forms V2588I, V2609I.
Identifiers: ClinVar variation 187592 (VCV000187592.16), dbSNP rs786203848, ClinGen allele CA198031.
Genomic context (GRCh38, chr17:31,357,046, plus strand): 5'-CAGCACCCACATTTACGTAAAGTTTCAGTGTCTGAATCAAATGTTCTCTTGGATGAAGAA[G>A]TACTTACTGATCCGAAGATCCAGGCGCTGCTTCTTACTGTTCTAGTAAGGATTTCCCCTT-3'
Protein context (NP_001035957.1, residues 2599-2619): SESNVLLDEE[Val2609Ile]LTDPKIQALL

ClinVar aggregate classification (germline): Conflicting classifications of pathogenicity. Review status: criteria provided, conflicting classifications (1 of 4 stars). 6 submissions from 5 submitters: Uncertain significance (5); Likely benign (1). Last evaluated 2025-10-01.

Conditions:
Hereditary cancer-predisposing syndrome. Also called: Neoplastic Syndromes, Hereditary; Hereditary neoplastic syndrome; Tumor predisposition; Hereditary Cancer Syndrome. Identifiers: Orphanet 140162, MedGen C0027672, MeSH D009386, MONDO:0015356.
Cardiovascular phenotype. Identifiers: MedGen CN230736.
Neurofibromatosis, type 1 (NF1). Also called: VON RECKLINGHAUSEN DISEASE; NEUROFIBROMATOSIS, TYPE I, SOMATIC; Peripheral type neurofibromatosis; Neurofibromatosis, type I. Identifiers: Orphanet 636, MedGen C0027831, MONDO:0018975, OMIM 162200. Disease mechanism: loss of function.

Allele frequency attached by ClinVar (database versions not stated): gnomAD exomes below 0.00001; gnomAD 0.00001.
gnomAD v4.1: 4 of 1,613,806 alleles (0.00025%); highest among the groups gnomAD compares: Non-Finnish European, 0.00034%; no homozygotes.

Submissions (6):

Labcorp Genetics (formerly Invitae), Labcorp
Classification: Likely benign for Neurofibromatosis, type 1. Last evaluated: 2025-10-01. Review status: criteria provided, single submitter. Criteria: Invitae Variant Classification Sherloc (09022015). Collection method: clinical testing. Allele origin: germline.

Dasa
Classification: Uncertain significance. Last evaluated: 2025-05-19. Review status: criteria provided, single submitter. Criteria: DASA Assertion Criteria. Collection method: clinical testing. Allele origin: germline.
Comment: NM_001042492.3(NF1):c.7825G>A (p.Val2609Ile) is a missense variant that results in the substitution of valine with isoleucine. This variant is rare in population databases. Computational prediction algorithms are consistent with a benign effect. The currently available literature and clinical evidence are not sufficient to establish a definitive association between this variant and the reported condition. Therefore, this variant is classified as a variant of uncertain significance.

Ambry Genetics
Classification: Uncertain significance for Cardiovascular phenotype; Hereditary cancer-predisposing syndrome. Last evaluated: 2022-08-10. Review status: criteria provided, single submitter. Criteria: Ambry Variant Classification Scheme 2023. Collection method: clinical testing. Allele origin: germline.

Genome-Nilou Lab
Classification: Uncertain significance for Neurofibromatosis, type 1. Last evaluated: 2022-03-15. Review status: criteria provided, single submitter. Criteria: ACMG Guidelines, 2015. Collection method: clinical testing. Allele origin: germline. Affected: no.

GeneDx
Classification: Uncertain significance. Last evaluated: 2021-11-23. Review status: criteria provided, single submitter. Criteria: GeneDx Variant Classification Process June 2021. Collection method: clinical testing. Allele origin: germline. Affected: yes.
Comment: In silico analysis supports that this missense variant does not alter protein structure/function; Has not been previously published as pathogenic or benign to our knowledge; This variant is associated with the following publications: (PMID: 25486365)

Ambry Genetics
Classification: Uncertain significance for Hereditary cancer-predisposing syndrome. Last evaluated: 2016-03-10. Review status: criteria provided, single submitter. Criteria: Ambry Autosomal Dominant and X-Linked criteria (10/2015). Collection method: clinical testing. Allele origin: germline. Observed: 1 variant allele.
Comment: The p.V2609I variant (also known as c.7825G>A), located in coding exon 53 of the NF1 gene, results from a G to A substitution at nucleotide position 7825. The valine at codon 2609 is replaced by isoleucine, an amino acid with highly similar properties. This variant was not reported in population based cohorts in the following databases: Database of Single Nucleotide Polymorphisms (dbSNP), NHLBI Exome Sequencing Project (ESP), and 1000 Genomes Project. In the ESP, this variant was not observed in 6503 samples (13006 alleles) with coverage at this position. To date, this alteration has been detected with an allele frequency of approximately 0.002% (greater than 110000 alleles tested) in our clinical cohort. This amino acid position is highly conserved in available vertebrate species. In addition, this alteration is predicted to be tolerated by in silico analysis. Since supporting evidence is limited at this time, the clinical significance of p.V2609I remains unclear.